The following is an entry in ClinVar:

NM_000101.4(CYBA):c.179A>C (p.Lys60Thr)

Gene: CYBA (cytochrome b-245 alpha chain; minus strand). Cytogenetic location: 16q24.2.
Variant type: single nucleotide variant.
Coding change: c.179A>C on transcript NM_000101.4 (MANE Select); coding-DNA position 179, A replaced by C.
Protein change: p.Lys60Thr; replaces lysine 60 with threonine.
Molecular consequence: missense variant.
Genome position (GRCh38, 1-based): chr16:88,647,125, T>G on the plus strand (A>C on the coding strand, the complement: CYBA is on the minus strand). VCF-style: chr16-88647125-T-G. GRCh37 (hg19) VCF-style: chr16-88713533-T-G.
Other names: short protein forms K60T.
Identifiers: ClinVar variation 252465 (VCV000252465.57), dbSNP rs11547387, ClinGen allele CA8228402.

ClinVar aggregate classification (germline): Benign/Likely benign. Review status: criteria provided, multiple submitters, no conflicts (2 of 4 stars). 8 submissions from 8 submitters: Benign (3); Likely benign (4). 1 of the submissions does not count toward it. Last evaluated 2026-08-01.

Conditions:
CYBA-related disorder. Also called: CYBA-related condition.
Granulomatous disease, chronic, autosomal recessive, cytochrome b-negative. Also called: GRANULOMATOUS DISEASE, CHRONIC, AUTOSOMAL RECESSIVE, 4; Chronic granulomatous disease, autosomal, due to deficiency of CYBA; CGD DUE TO DEFICIENCY OF THE ALPHA SUBUNIT OF CYTOCHROME b; CGD, AUTOSOMAL RECESSIVE CYTOCHROME b-NEGATIVE; CYBA DEFICIENCY. Identifiers: Orphanet 379, MedGen C1856255, MONDO:0009308, OMIM 233690.

Allele frequency attached by ClinVar (database versions not stated): 1000 Genomes Project 0.00200; 1000 Genomes Project 30x 0.00219; gnomAD 0.00354; ExAC 0.00387; gnomAD exomes 0.00390; ESP Exome Variant Server 0.00408; TOPMed 0.00487.
gnomAD v4.1: 8,946 of 1,611,518 alleles (0.56%); highest among the groups gnomAD compares: Admixed American, 0.7%; 38 homozygotes.

Submissions (8):

CeGaT Center for Human Genetics Tuebingen
Classification: Likely benign. Last evaluated: 2026-08-01. Review status: criteria provided, single submitter. Criteria: CeGaT Center For Human Genetics Tuebingen Variant Classification Criteria Version 2. Collection method: clinical testing. Allele origin: germline. Affected: yes. Observed: 11 variant alleles.
Comment: CYBA: BP4, BS2

Women's Health and Genetics/Laboratory Corporation of America, LabCorp
Classification: Benign. Last evaluated: 2026-02-06. Review status: criteria provided, single submitter. Criteria: LabCorp Variant Classification Summary - May 2015. Collection method: clinical testing. Allele origin: germline.
Comment: Variant summary: CYBA c.179A>C (p.Lys60Thr) results in a non-conservative amino acid change in the encoded protein sequence. Algorithms developed to predict the effect of missense changes on protein structure and function are either unavailable or do not agree on the potential impact of this missense change. The variant allele was found at a frequency of 0.0039 in 246468 control chromosomes in the gnomAD database, including 5 homozygotes. The observed variant frequency exceeds the estimated maximal expected allele frequency for disease-causing variants in CYBA. c.179A>C has been observed in the heterozygous state in at least 1 individual(s) affected with Crohn's disease (example, Denson_2018), without strong evidence for causality. These report(s) do not provide unequivocal conclusions about association of the variant with Granulomatous disease, chronic, autosomal recessive, cytochrome b-negative. One publication reports experimental evidence evaluating an impact on protein function, however, does not allow convincing conclusions about the variant effect (example, Denson_2018). The following publications have been ascertained in the context of this evaluation (PMID: 11037300, 11112388, 21902598, 10910929, 27048830, 29454792, 28750028, 16608528, 34547651, 20167518). ClinVar contains an entry for this variant (Variation ID: 252465). Based on the evidence outlined above, the variant was classified as benign.

Labcorp Genetics (formerly Invitae), Labcorp
Classification: Benign for Granulomatous disease, chronic, autosomal recessive, cytochrome b-negative. Last evaluated: 2026-02-04. Review status: criteria provided, single submitter. Criteria: Invitae Variant Classification Sherloc (09022015). Collection method: clinical testing. Allele origin: germline.

GeneDx
Classification: Likely benign. Last evaluated: 2021-01-19. Review status: criteria provided, single submitter. Criteria: GeneDx Variant Classification Process June 2021. Collection method: clinical testing. Allele origin: germline. Affected: yes.
Comment: This variant is associated with the following publications: (PMID: 10910929, 27048830, 29454792, 20167518)

Genomic Diagnostic Laboratory, Division of Genomic Diagnostics, Children's Hospital of Philadelphia
Classification: Likely benign. Last evaluated: 2015-11-20. Review status: criteria provided, single submitter. Criteria: DGD Variant Analysis Guidelines. Collection method: clinical testing. Allele origin: unknown.

Eurofins Ntd Llc (ga)
Classification: Benign. Last evaluated: 2015-09-11. Review status: criteria provided, single submitter. Criteria: EGL Classification Definitions 2015. Collection method: clinical testing. Allele origin: germline. Observed: 1 variant allele, 1 heterozygote.

Breakthrough Genomics
Classification: Likely benign. Review status: criteria provided, single submitter. Criteria: ACMG Guidelines, 2015. Collection method: not provided. Allele origin: germline. Inheritance: Autosomal recessive inheritance. Affected: yes.

PreventionGenetics, part of Exact Sciences
Classification: Likely benign for CYBA-related condition. Last evaluated: 2020-02-25. Review status: no assertion criteria provided. Collection method: clinical testing. Allele origin: germline. Not counted in ClinVar's aggregate classification.
Comment: This variant is classified as likely benign based on ACMG/AMP sequence variant interpretation guidelines (Richards et al. 2015 PMID: 25741868, with internal and published modifications).

Literature cited by the submitters: PubMed 11112388 (cited by Women's Health and Genetics/Laboratory Corporation of America, LabCorp); PubMed 16608528 (cited by Women's Health and Genetics/Laboratory Corporation of America, LabCorp); PubMed 11037300 (cited by Women's Health and Genetics/Laboratory Corporation of America, LabCorp); PubMed 28750028 (cited by Women's Health and Genetics/Laboratory Corporation of America, LabCorp); PubMed 10910929 (cited by Women's Health and Genetics/Laboratory Corporation of America, LabCorp); PubMed 34547651 (cited by Women's Health and Genetics/Laboratory Corporation of America, LabCorp); PubMed 29454792 (cited by Women's Health and Genetics/Laboratory Corporation of America, LabCorp); PubMed 20167518 (cited by Women's Health and Genetics/Laboratory Corporation of America, LabCorp); PubMed 27048830 (cited by Women's Health and Genetics/Laboratory Corporation of America, LabCorp); PubMed 21902598 (cited by Women's Health and Genetics/Laboratory Corporation of America, LabCorp).